The following is an entry in ClinVar:

ClinVar aggregate classification (germline): Uncertain significance. Review status: criteria provided, multiple submitters, no conflicts (2 of 4 stars). 2 submissions from 2 submitters: Uncertain significance (2). Last evaluated 2022-11-15.

Conditions:
Pseudohypoaldosteronism type 2C (PHA2C). Also called: Pseudohypoaldosteronism Type IIC. Identifiers: Orphanet 757, Orphanet 88940, MedGen C1840391, MONDO:0013778, OMIM 614492.
Neuropathy, hereditary sensory and autonomic, type 2A (HSAN2A). Also called: HSAN IIA; WNK1-Related HSAN2 (HSAN2A); ACROOSTEOLYSIS, GIACCAI TYPE; ACROOSTEOLYSIS, NEUROGENIC; MORVAN DISEASE; NEUROPATHY, CONGENITAL SENSORY. Identifiers: Orphanet 970, MedGen C2752089, MONDO:0024309, OMIM 201300.

Allele frequency attached by ClinVar (database versions not stated): gnomAD exomes below 0.00001.

Submissions (2):

Labcorp Genetics (formerly Invitae), Labcorp
Classification: Uncertain significance for Neuropathy, hereditary sensory and autonomic, type 2A; Pseudohypoaldosteronism type 2C. Last evaluated: 2022-11-15. Review status: criteria provided, single submitter. Criteria: Invitae Variant Classification Sherloc (09022015). Collection method: clinical testing. Allele origin: germline.
Comment: In summary, the available evidence is currently insufficient to determine the role of this variant in disease. Therefore, it has been classified as a Variant of Uncertain Significance. Advanced modeling of protein sequence and biophysical properties (such as structural, functional, and spatial information, amino acid conservation, physicochemical variation, residue mobility, and thermodynamic stability) performed at Invitae indicates that this missense variant is not expected to disrupt WNK1 protein function. ClinVar contains an entry for this variant (Variation ID: 245846). This variant has not been reported in the literature in individuals affected with WNK1-related conditions. This variant is not present in population databases (gnomAD no frequency). This sequence change replaces glutamine, which is neutral and polar, with arginine, which is basic and polar, at codon 989 of the WNK1 protein (p.Gln989Arg).

GeneDx
Classification: Uncertain significance. Last evaluated: 2015-07-30. Review status: criteria provided, single submitter. Criteria: GeneDx Variant Classification (06012015). Collection method: clinical testing. Allele origin: germline. Affected: yes.
Comment: The Q989R variant has not been published as pathogenic, nor has it been reported as a benign polymorphism to our knowledge. It was not observed in approximately 6,000 individuals of European and African American ancestry in the NHLBI Exome Sequencing Project, indicating it is not a common benign variant in these populations. The Q989R variant is a semi-conservative amino acid substitution, which may impact secondary protein structure as these residues differ in some properties. This substitution occurs at a position that is conserved in mammals; however, Arginine is observed at this position in one other species. In silico analysis is inconsistent in its predictions as to whether or not the variant is damaging to the protein structure/function. Therefore, based on the currently available information, it is unclear whether this variant is a pathogenic variant or a rare benign variant.

NM_213655.5(WNK1):c.2966A>G (p.Gln989Arg)

Gene: WNK1 (WNK lysine deficient protein kinase 1; plus strand). Cytogenetic location: 12p13.33.
Variant type: single nucleotide variant.
Coding change: c.2966A>G on transcript NM_213655.5 (MANE Plus Clinical); coding-DNA position 2966, A replaced by G.
Protein change: p.Gln989Arg; replaces glutamine 989 with arginine.
Molecular consequence: missense variant. On other transcripts: intron variant (2).
Genome position (GRCh38, 1-based): chr12:868,437, A>G. VCF-style: chr12-868437-A-G. GRCh37 (hg19) VCF-style: chr12-977603-A-G.
Other names: c.2711A>G, p.Gln904Arg (NM_001184985.2); c.2140-2828A>G (NM_018979.4, NM_014823.3); short protein forms Q989R, Q904R.
Identifiers: ClinVar variation 245846 (VCV000245846.5), dbSNP rs879253973, ClinGen allele CA10584439.
Genomic context (GRCh38, chr12:868,437, plus strand): 5'-AACAGAAGCCAGTACAAGGGGGCCCTACTTCAAGTTCTGTCTTTGAATTTCCATCTGGAC[A>G]GGCTTTCCTGGTAGGACACCTTCAGAATCTAAGATTAGATTCTGGATTGGGTCCGGGATC-3'
Protein context (NP_998820.3, residues 979-999): SSSVFEFPSG[Gln989Arg]AFLVGHLQNL